The following is an entry in ClinVar:

ClinVar aggregate classification (germline): Uncertain significance. Review status: criteria provided, multiple submitters, no conflicts (2 of 4 stars). 7 submissions from 7 submitters: Uncertain significance (7). Last evaluated 2026-06-03.

Conditions:
CHEK2-related disorder.
Hereditary cancer-predisposing syndrome. Also called: Neoplastic Syndromes, Hereditary; Tumor predisposition; Hereditary Cancer Syndrome; Hereditary neoplastic syndrome. Identifiers: Orphanet 140162, MedGen C0027672, MeSH D009386, MONDO:0015356.
Familial cancer of breast. Also called: hereditary breast carcinoma; BREAST CANCER, FAMILIAL; Hereditary breast cancer. Identifiers: Orphanet 227535, MedGen C0346153, MONDO:0016419, OMIM 114480. Disease mechanism: loss of function.

Submissions (7):

PreventionGenetics, part of Exact Sciences
Classification: Uncertain significance for CHEK2-related condition. Last evaluated: 2026-06-03. Review status: criteria provided, single submitter. Criteria: ACMG Guidelines, 2015. Collection method: clinical testing. Allele origin: germline.
Comment: The CHEK2 c.917G>A variant is predicted to result in the amino acid substitution p.Gly306Glu. This variant has been reported in an individual with ovarian cancer (Table S1, Carter et al 2018. PubMed ID: 30322717). In vitro functional studies in transformed mouse embryonic stem (m-ES) cells demonstrated that this variant negatively impacts CHEK2 kinase activity (Boonen et al. 2022. PubMed ID: 34903604). This variant is reported in 0.0033% of alleles in individuals of South Asian descent in gnomAD and is classified as uncertain in ClinVar (Variation ID: 232728). At this time, the clinical significance of this variant is uncertain due to the absence of conclusive functional and genetic evidence.

Labcorp Genetics (formerly Invitae), Labcorp
Classification: Uncertain significance for Familial cancer of breast. Last evaluated: 2025-10-14. Review status: criteria provided, single submitter. Criteria: Invitae Variant Classification Sherloc (09022015). Collection method: clinical testing. Allele origin: germline.
Comment: This sequence change replaces glycine, which is neutral and non-polar, with glutamic acid, which is acidic and polar, at codon 306 of the CHEK2 protein (p.Gly306Glu). The frequency data for this variant in the population databases is considered unreliable, as metrics indicate poor data quality at this position in the gnomAD database. This missense change has been observed in individual(s) with ovarian cancer (PMID: 30322717). ClinVar contains an entry for this variant (Variation ID: 232728). An algorithm developed to predict the effect of missense changes on protein structure and function (PolyPhen-2) suggests that this variant is likely to be disruptive. Experimental studies have shown that this missense change affects CHEK2 function (PMID: 34903604). In summary, the available evidence is currently insufficient to determine the role of this variant in disease. Therefore, it has been classified as a Variant of Uncertain Significance.

Ambry Genetics
Classification: Uncertain significance for Hereditary cancer-predisposing syndrome. Last evaluated: 2025-06-11. Review status: criteria provided, single submitter. Criteria: Ambry Variant Classification Scheme 2023. Collection method: clinical testing. Allele origin: germline.
Comment: The p.G306E variant (also known as c.917G>A), located in coding exon 8 of the CHEK2 gene, results from a G to A substitution at nucleotide position 917. The glycine at codon 306 is replaced by glutamic acid, an amino acid with similar properties. This variant was identified in a cohort of 4439 women with ovarian cancer undergoing multigene panel testing at one laboratory (Carter NJ et al. Gynecol Oncol, 2018 Dec;151:481-488). This alteration was reported as damaging in an mES cell-based assay of CHEK2 activity (Boonen RACM et al. Cancer Res, 2022 Feb;82:615-631). This amino acid position is highly conserved in available vertebrate species. In addition, this alteration is predicted to be deleterious by in silico analysis. Since supporting evidence is limited at this time, the clinical significance of this alteration remains unclear.

Blueprint Genetics
Classification: Uncertain significance. Last evaluated: 2024-10-28. Review status: criteria provided, single submitter. Criteria: ACMG Guidelines, 2015. Collection method: clinical testing. Allele origin: germline.

Color Diagnostics, LLC DBA Color Health
Classification: Uncertain significance for Hereditary cancer-predisposing syndrome. Last evaluated: 2024-06-14. Review status: criteria provided, single submitter. Criteria: ACMG Guidelines, 2015. Collection method: clinical testing. Allele origin: germline.
Comment: This missense variant replaces glycine with glutamic acid at codon 306 of the CHEK2 protein. Computational prediction is inconclusive regarding the impact of this variant on protein structure and function. Functional studies have shown that this variant was damaging for kinase activity in a mouse embryonic stem cell assay (PMID: 34903604). To our knowledge, this variant has been reported in an individual affected with ovarian cancer (PMID: 30322717). This variant has been identified in 1/251132 chromosomes in the general population by the Genome Aggregation Database (gnomAD). The available evidence is insufficient to determine the role of this variant in disease conclusively. Therefore, this variant is classified as a Variant of Uncertain Significance.

Baylor Genetics
Classification: Uncertain significance for Familial cancer of breast. Last evaluated: 2023-08-05. Review status: criteria provided, single submitter. Criteria: ACMG Guidelines, 2015. Collection method: clinical testing. Allele origin: unknown.

GeneDx
Classification: Uncertain significance. Last evaluated: 2018-03-13. Review status: criteria provided, single submitter. Criteria: GeneDx Variant Classification (06012015). Collection method: clinical testing. Allele origin: germline. Affected: yes.
Comment: This variant is denoted CHEK2 c.917G>A at the cDNA level, p.Gly306Glu (G306E) at the protein level, and results in the change of a Glycine to a Glutamic Acid (GGG>GAG). This variant has not, to our knowledge, been published in the literature as pathogenic or benign. CHEK2 Gly306Glu was not observed at a significant allele frequency in large population cohorts (Lek 2016). This variant is located in the kinase domain (Cai 2009, Roeb 2012). In silico analysis, which includes protein predictors and evolutionary conservation, supports a deleterious effect. Based on currently available evidence, it is unclear whether CHEK2 Gly306Glu is a pathogenic or benign variant. We consider it to be a variant of uncertain significance.

Literature cited by the submitters: PubMed 30322717 (cited by 3 submitters); PubMed 34903604 (cited by 3 submitters).

NM_007194.4(CHEK2):c.917G>A (p.Gly306Glu)

Gene: CHEK2 (checkpoint kinase 2; minus strand). Cytogenetic location: 22q12.1.
Variant type: single nucleotide variant.
Coding change: c.917G>A on transcript NM_007194.4 (MANE Select); coding-DNA position 917, G replaced by A.
Protein change: p.Gly306Glu; replaces glycine 306 with glutamic acid.
Molecular consequence: missense variant.
Genome position (GRCh38, 1-based): chr22:28,699,929, C>T on the plus strand (G>A on the coding strand, the complement: CHEK2 is on the minus strand). VCF-style: chr22-28699929-C-T. GRCh37 (hg19) VCF-style: chr22-29095917-C-T.
Other names: c.1046G>A, p.Gly349Glu (NM_001005735.3); c.254G>A, p.Gly85Glu (NM_001257387.3); c.716G>A, p.Gly239Glu (NM_001349956.3); c.917G>A, p.Gly306Glu (NM_145862.3); short protein forms G306E, G85E, G239E, G349E.
Identifiers: ClinVar variation 232728 (VCV000232728.26), dbSNP rs587780192, ClinGen allele CA10581063.